The following is an entry in ClinVar:

ClinVar aggregate classification (germline): Uncertain significance (1 of 4 stars; one submission).

Conditions:
Hypertrophic cardiomyopathy 9. Also called: Familial hypertrophic cardiomyopathy 9. Identifiers: MedGen C1861065, MONDO:0013412, OMIM 613765.
Myopathy, myofibrillar, 9, with early respiratory failure (MFM9). Also called: Hereditary myopathy with early respiratory failure; EDSTROM MYOPATHY; MYOPATHY, PROXIMAL, WITH EARLY RESPIRATORY MUSCLE INVOLVEMENT; Myopathy, distal, with early respiratory failure, autosomal dominant. Identifiers: Orphanet 178464, Orphanet 34521, MedGen C1863599, MONDO:0011362, OMIM 603689.
Early-onset myopathy with fatal cardiomyopathy (CMYO5). Also called: CONGENITAL MYOPATHY 5 WITH CARDIOMYOPATHY; Salih Myopathy. Identifiers: Orphanet 289377, MedGen C2673677, MONDO:0012714, OMIM 611705. Disease mechanism: loss of function.
Autosomal recessive limb-girdle muscular dystrophy type 2J (LGMDR10). Also called: Limb-girdle muscular dystrophy, type 2J; MUSCULAR DYSTROPHY, LIMB-GIRDLE, AUTOSOMAL RECESSIVE 10. Identifiers: Orphanet 140922, MedGen C1837342, MONDO:0012127, OMIM 608807.
Dilated cardiomyopathy 1G (CMD1G). Identifiers: Orphanet 154, MedGen C1858763, MONDO:0011400, OMIM 604145.
Tibial muscular dystrophy (TMD). Also called: UDD MYOPATHY; Udd Distal Myopathy – Tibial Muscular Dystrophy; Tibial muscular dystrophy, tardive. Identifiers: Orphanet 609, MedGen C1838244, MONDO:0010870, OMIM 600334.

gnomAD v4.1: 2 of 1,607,454 alleles (0.00012%); highest among the groups gnomAD compares: Non-Finnish European, 0.00017%; no homozygotes.

Submission:

Juno Genomics, Hangzhou Juno Genomics, Inc
Classification: Uncertain significance for Tibial muscular dystrophy; Early-onset myopathy with fatal cardiomyopathy; Dilated cardiomyopathy 1G; Hypertrophic cardiomyopathy 9; Autosomal recessive limb-girdle muscular dystrophy type 2J; Myopathy, myofibrillar, 9, with early respiratory failure. Review status: criteria provided, single submitter. Criteria: ACMG Guidelines, 2015. Collection method: clinical testing. Allele origin: germline.
Comment: Absent from controls (or at extremely low frequency if recessive) in Genome Aggregation Database.;Missense variant in a gene that has a low rate of benign missense variation.

NM_001267550.2(TTN):c.41861A>G (p.Tyr13954Cys)

Gene: TTN (titin; minus strand). Cytogenetic location: 2q31.2.
Variant type: single nucleotide variant.
Coding change: c.41861A>G on transcript NM_001267550.2 (MANE Select); coding-DNA position 41861, A replaced by G.
Protein change: p.Tyr13954Cys; replaces tyrosine 13954 with cysteine.
Molecular consequence: missense variant.
Genome position (GRCh38, 1-based): chr2:178,635,463, T>C on the plus strand (A>G on the coding strand, the complement: TTN is on the minus strand). VCF-style: chr2-178635463-T-C. GRCh37 (hg19) VCF-style: chr2-179500190-T-C.
Other names: c.36938A>G, p.Tyr12313Cys (NM_001256850.1); c.14666A>G, p.Tyr4889Cys (NM_003319.4); c.34157A>G, p.Tyr11386Cys (NM_133378.4); c.15041A>G, p.Tyr5014Cys (NM_133432.3); c.15242A>G, p.Tyr5081Cys (NM_133437.4); short protein forms Y4889C, Y5014C, Y5081C, Y11386C, Y12313C, Y13954C.
Identifiers: ClinVar variation 5006153 (VCV005006153.2).
Genomic context (GRCh38, chr2:178,635,463, plus strand): 5'-AAAACTTATAATTTGAATAAAAGGTAAGATTTTATACCTCCAAGTGTCAGCTTTGCAGGG[T>C]ATCTTTTTCCTTCAATTTCCACTGCATACTCAGCAATATCTTCTGGCATAGCATTCTTAA-3'
Protein context (NP_001254479.2, residues 13944-13964): EYAVEIEGKR[Tyr13954Cys]PAKLTLGERE